The following is an entry in ClinVar:

ClinVar aggregate classification (germline): Conflicting classifications of pathogenicity. Review status: criteria provided, conflicting classifications (1 of 4 stars). 5 submissions from 5 submitters: Uncertain significance (1); Likely benign (3). 1 of the submissions does not count toward it. Last evaluated 2024-08-21.

Conditions:
TJP2-related disorder. Also called: TJP2-related condition.

Allele frequency attached by ClinVar (database versions not stated): ExAC 0.00003; gnomAD exomes 0.00004; TOPMed 0.00009; gnomAD 0.00013; ESP Exome Variant Server 0.00015.
gnomAD v4.1: 91 of 1,614,030 alleles (0.0056%); highest among the groups gnomAD compares: Admixed American, 0.03%; no homozygotes.

Submissions (5):

Blueprint Genetics
Classification: Likely benign. Last evaluated: 2024-08-21. Review status: criteria provided, single submitter. Criteria: ACMG Guidelines, 2015. Collection method: clinical testing. Allele origin: germline.

Labcorp Genetics (formerly Invitae), Labcorp
Classification: Likely benign. Last evaluated: 2022-11-15. Review status: criteria provided, single submitter. Criteria: Invitae Variant Classification Sherloc (09022015). Collection method: clinical testing. Allele origin: germline.

Eurofins Ntd Llc (ga)
Classification: Uncertain significance. Last evaluated: 2017-04-20. Review status: criteria provided, single submitter. Criteria: EGL Classification Definitions 2015. Collection method: clinical testing. Allele origin: germline. Observed: 1 variant allele, 1 heterozygote.

Laboratory for Molecular Medicine, Mass General Brigham Personalized Medicine
Classification: Likely benign. Last evaluated: 2014-06-03. Review status: criteria provided, single submitter. Criteria: LMM Criteria. Collection method: clinical testing. Allele origin: germline. Observed: 1 variant allele.
Comment: Ala1021Ala in Exon 21A of TJP2: This variant is not expected to have clinical si gnificance because it does not alter an amino acid residue, is not located withi n the splice consensus sequence, and has been identified in 2/8600 European Amer ican chromosomes from a broad population by the NHLBI Exome Sequencing Project.

PreventionGenetics, part of Exact Sciences
Classification: Likely benign for TJP2-related condition. Last evaluated: 2024-03-22. Review status: no assertion criteria provided. Collection method: clinical testing. Allele origin: germline. Not counted in ClinVar's aggregate classification.
Comment: This variant is classified as likely benign based on ACMG/AMP sequence variant interpretation guidelines (Richards et al. 2015 PMID: 25741868, with internal and published modifications).

NM_004817.4(TJP2):c.3063C>T (p.Ala1021=)

Gene: TJP2 (tight junction protein 2; plus strand). Cytogenetic location: 9q21.11.
Variant type: single nucleotide variant.
Coding change: c.3063C>T on transcript NM_004817.4 (MANE Select); coding-DNA position 3063, C replaced by T.
Protein change: p.Ala1021=; no amino-acid change (alanine 1021 retained).
Molecular consequence: synonymous variant. On other transcripts: intron variant (3).
Genome position (GRCh38, 1-based): chr9:69,251,106, C>T. VCF-style: chr9-69251106-C-T. GRCh37 (hg19) VCF-style: chr9-71866022-C-T.
Other names: c.2964C>T, p.Ala988= (NM_001170415.1); c.3156C>T, p.Ala1052= (NM_001170416.2); c.2988C>T, p.Ala996= (NM_001369870.1); c.2994C>T, p.Ala998= (NM_001369871.1); c.2952C>T, p.Ala984= (NM_001369872.1); c.2739C>T, p.Ala913= (NM_001369873.1); c.3075C>T, p.Ala1025= (NM_001369875.1); c.2812-1709C>T (NM_001170414.2); and 2 more.
Identifiers: ClinVar variation 178682 (VCV000178682.18), dbSNP rs367977493, ClinGen allele CA182777.